The following is an entry in ClinVar:

NM_014795.4(ZEB2):c.3478_3480inv (p.Phe1160Glu)

Gene: ZEB2 (zinc finger E-box binding homeobox 2; minus strand). Cytogenetic location: 2q22.3.
Variant type: Inversion.
Coding change: c.3478_3480inv on transcript NM_014795.4 (MANE Select).
Protein change: p.Phe1160Glu; replaces phenylalanine 1160 with glutamic acid.
Molecular consequence: missense variant.
Genome position: GRCh38 VCF-style: chr2-144389616-GAA-TTC. GRCh37 (hg19) VCF-style: chr2-145147183-GAA-TTC.
Other names: c.3406_3408inv, p.Phe1136Glu (NM_001171653.2); short protein forms F1136E, F1160E.
Identifiers: ClinVar variation 2878995 (VCV002878995.3), ClinGen allele CA2739271216.

ClinVar aggregate classification (germline): Uncertain significance (1 of 4 stars; one submission).

Conditions:
Mowat-Wilson syndrome (MOWS). Also called: Classic Mowat-Wilson Syndrome. Identifiers: Orphanet 2152, MedGen C1856113, MONDO:0009341, OMIM 235730.

Submission:

Labcorp Genetics (formerly Invitae), Labcorp
Classification: Uncertain significance for Mowat-Wilson syndrome. Last evaluated: 2023-12-27. Review status: criteria provided, single submitter. Criteria: Invitae Variant Classification Sherloc (09022015). Collection method: clinical testing. Allele origin: germline.
Comment: This sequence change replaces phenylalanine, which is neutral and non-polar, with glutamic acid, which is acidic and polar, at codon 1160 of the ZEB2 protein (p.Phe1160Glu). The frequency data for this variant in the population databases is considered unreliable, as metrics indicate poor data quality at this position in the gnomAD database. This variant has not been reported in the literature in individuals affected with ZEB2-related conditions. An algorithm developed to predict the effect of missense changes on protein structure and function (PolyPhen-2) suggests that this variant is likely to be tolerated. In summary, the available evidence is currently insufficient to determine the role of this variant in disease. Therefore, it has been classified as a Variant of Uncertain Significance.